The following is an entry in ClinVar:

ClinVar aggregate classification (germline): Conflicting classifications of pathogenicity. Review status: criteria provided, conflicting classifications (1 of 4 stars). 3 submissions from 3 submitters: Uncertain significance (1); Benign (1); Likely benign (1). Last evaluated 2018-06-30.

Conditions:
Microcephaly 5, primary, autosomal recessive (MCPH5). Also called: ASPM Primary Microcephaly. Identifiers: Orphanet 2512, MedGen C1837501, MONDO:0012106, OMIM 608716.

Allele frequency attached by ClinVar (database versions not stated): gnomAD exomes 0.00196; gnomAD 0.01875 and 0.02032; TOPMed 0.02181; 1000 Genomes Project 0.02356; 1000 Genomes Project 30x 0.02545.
gnomAD v4.1: 4,981 of 1,207,626 alleles (0.41%); highest among the groups gnomAD compares: African/African-American, 6.6%; 162 homozygotes.

Submissions (3):

GeneDx
Classification: Benign. Last evaluated: 2018-06-30. Review status: criteria provided, single submitter. Criteria: GeneDx Variant Classification Process June 2021. Collection method: clinical testing. Allele origin: germline. Affected: yes.

Illumina Laboratory Services, Illumina
Classification: Likely benign for Microcephaly 5, primary, autosomal recessive. Last evaluated: 2017-04-28. Review status: criteria provided, single submitter. Criteria: ICSL Variant Classification Criteria 13 December 2019. Collection method: clinical testing. Allele origin: germline.
Comment: This variant was observed as part of a predisposition screen in an ostensibly healthy population. A literature search was performed for the gene, cDNA change, and amino acid change (where applicable). No publications were found based on this search. Allele frequency data from public databases allowed determination this variant is unlikely to cause disease. Therefore, this variant is classified as likely benign.

Genetic Services Laboratory, University of Chicago
Classification: Uncertain significance for Microcephaly 5, primary, autosomal recessive. Last evaluated: 2013-02-08. Review status: criteria provided, single submitter. Criteria: ACMG Guidelines, 2007. Collection method: clinical testing. Allele origin: germline. Inheritance: Autosomal recessive inheritance.

NM_018136.5(ASPM):c.-110C>T

Gene: ASPM (assembly factor for spindle microtubules; minus strand). Cytogenetic location: 1q31.3.
Variant type: single nucleotide variant.
Coding change: c.-110C>T on transcript NM_018136.5 (MANE Select); 110 bases upstream of the start codon, C replaced by T.
Molecular consequence: 5 prime UTR variant.
Genome position (GRCh38, 1-based): chr1:197,146,547, G>A on the plus strand (C>T on the coding strand, the complement: ASPM is on the minus strand). VCF-style: chr1-197146547-G-A. GRCh37 (hg19) VCF-style: chr1-197115677-G-A.
Other names: c.-110C>T (NM_001206846.2).
Identifiers: ClinVar variation 157767 (VCV000157767.11), dbSNP rs74981632, ClinGen allele CA270985.